The following is an entry in ClinVar:

NM_019066.5(MAGEL2):c.1436T>C (p.Ile479Thr)

Gene: MAGEL2 (MAGE family member L2; minus strand). Cytogenetic location: 15q11.2.
Variant type: single nucleotide variant.
Coding change: c.1436T>C on transcript NM_019066.5 (MANE Select); coding-DNA position 1436, T replaced by C.
Protein change: p.Ile479Thr; replaces isoleucine 479 with threonine.
Molecular consequence: missense variant.
Genome position (GRCh38, 1-based): chr15:23,646,307, A>G on the plus strand (T>C on the coding strand, the complement: MAGEL2 is on the minus strand). VCF-style: chr15-23646307-A-G. GRCh37 (hg19) VCF-style: chr15-23891454-A-G.
Other names: short protein forms I479T.
Identifiers: ClinVar variation 4823433 (VCV004823433.4).

ClinVar aggregate classification (germline): Uncertain significance (1 of 4 stars; one submission).

Submission:

CeGaT Center for Human Genetics Tuebingen
Classification: Uncertain significance. Last evaluated: 2026-02-01. Review status: criteria provided, single submitter. Criteria: CeGaT Center For Human Genetics Tuebingen Variant Classification Criteria Version 2. Collection method: clinical testing. Allele origin: germline. Affected: yes. Observed: 1 variant allele.
Comment: MAGEL2: PM2, PP3